The following is an entry in ClinVar:

ClinVar aggregate classification (germline): Uncertain significance. Review status: criteria provided, multiple submitters, no conflicts (2 of 4 stars). 2 submissions from 2 submitters: Uncertain significance (2). Last evaluated 2024-03-11.

Conditions:
ALG1-congenital disorder of glycosylation. Also called: CONGENITAL DISORDER OF GLYCOSYLATION, TYPE Ik; CDG Ik; ALG1-CDG. Identifiers: Orphanet 79327, MedGen C2931005, MONDO:0012052, OMIM 608540.

Allele frequency attached by ClinVar (database versions not stated): gnomAD exomes 0.00001; TOPMed 0.00001; gnomAD 0.00002.
gnomAD v4.1: 6 of 1,613,238 alleles (0.00037%); highest among the groups gnomAD compares: African/African-American, 0.008%; no homozygotes.

Submissions (2):

Fulgent Genetics
Classification: Uncertain significance for ALG1-congenital disorder of glycosylation. Last evaluated: 2024-03-11. Review status: criteria provided, single submitter. Criteria: ACMG Guidelines, 2015. Collection method: clinical testing. Allele origin: germline.

Labcorp Genetics (formerly Invitae), Labcorp
Classification: Uncertain significance for ALG1-congenital disorder of glycosylation. Last evaluated: 2022-03-13. Review status: criteria provided, single submitter. Criteria: Invitae Variant Classification Sherloc (09022015). Collection method: clinical testing. Allele origin: germline.
Comment: This variant is present in population databases (no rsID available, gnomAD 0.02%). In summary, the available evidence is currently insufficient to determine the role of this variant in disease. Therefore, it has been classified as a Variant of Uncertain Significance. Variants that disrupt the consensus splice site are a relatively common cause of aberrant splicing (PMID: 17576681, 9536098). Algorithms developed to predict the effect of sequence changes on RNA splicing suggest that this variant may disrupt the consensus splice site. This variant has not been reported in the literature in individuals affected with ALG1-related conditions. This sequence change falls in intron 3 of the ALG1 gene. It does not directly change the encoded amino acid sequence of the ALG1 protein. It affects a nucleotide within the consensus splice site.

Literature cited by the submitters: PubMed 17576681 (cited by Labcorp Genetics (formerly Invitae), Labcorp); PubMed 9536098 (cited by Labcorp Genetics (formerly Invitae), Labcorp).

NM_019109.5(ALG1):c.390+5G>A

Gene: ALG1 (ALG1 chitobiosyldiphosphodolichol beta-mannosyltransferase; plus strand). Cytogenetic location: 16p13.3.
Variant type: single nucleotide variant.
Coding change: c.390+5G>A on transcript NM_019109.5 (MANE Select); 5 bases into the intron after coding-DNA position 390, G replaced by A.
Molecular consequence: intron variant.
Genome position (GRCh38, 1-based): chr16:5,073,261, G>A. VCF-style: chr16-5073261-G-A. GRCh37 (hg19) VCF-style: chr16-5123262-G-A.
Other names: c.57+5G>A (NM_001330504.2).
Identifiers: ClinVar variation 1897999 (VCV001897999.6), dbSNP rs1350902094, ClinGen allele CA620530039.
Genomic context (GRCh38, chr16:5,073,261, plus strand): 5'-TGTACTTGCTGTGGAAGTTGATGTGGAGGGAGCCAGGTGCCTATATCTTTCTCCAGGTGT[G>A]TATCAGCCTCTGCCTCCCTCTGTGAGAGCCATGTTAGCAGTTTACTTTCCAGCACAAATT-3'